The following is an entry in ClinVar:

ClinVar aggregate classification (germline): Uncertain significance. Review status: criteria provided, multiple submitters, no conflicts (2 of 4 stars). 2 submissions from 2 submitters: Uncertain significance (2). Last evaluated 2024-05-17.

gnomAD v4.1: 4 of 1,610,582 alleles (0.00025%); highest among the groups gnomAD compares: Non-Finnish European, 0.00034%; no homozygotes.

Submissions (2):

GeneDx
Classification: Uncertain significance. Last evaluated: 2024-05-17. Review status: criteria provided, single submitter. Criteria: GeneDx Variant Classification Process June 2021. Collection method: clinical testing. Allele origin: germline. Affected: yes.
Comment: Not observed at significant frequency in large population cohorts (gnomAD); In silico analysis indicates that this missense variant does not alter protein structure/function; Has not been previously published as pathogenic or benign to our knowledge

Labcorp Genetics (formerly Invitae), Labcorp
Classification: Uncertain significance. Last evaluated: 2023-04-17. Review status: criteria provided, single submitter. Criteria: Invitae Variant Classification Sherloc (09022015). Collection method: clinical testing. Allele origin: germline.
Comment: In summary, the available evidence is currently insufficient to determine the role of this variant in disease. Therefore, it has been classified as a Variant of Uncertain Significance. Advanced modeling of protein sequence and biophysical properties (such as structural, functional, and spatial information, amino acid conservation, physicochemical variation, residue mobility, and thermodynamic stability) performed at Invitae indicates that this missense variant is not expected to disrupt KMT2B protein function. This variant has not been reported in the literature in individuals affected with KMT2B-related conditions. This variant is not present in population databases (gnomAD no frequency). This sequence change replaces proline, which is neutral and non-polar, with serine, which is neutral and polar, at codon 551 of the KMT2B protein (p.Pro551Ser).

NM_014727.3(KMT2B):c.1651C>T (p.Pro551Ser)

Gene: KMT2B (lysine methyltransferase 2B; plus strand). Cytogenetic location: 19q13.12.
Variant type: single nucleotide variant.
Coding change: c.1651C>T on transcript NM_014727.3 (MANE Select); coding-DNA position 1651, C replaced by T.
Protein change: p.Pro551Ser; replaces proline 551 with serine.
Molecular consequence: missense variant.
Genome position (GRCh38, 1-based): chr19:35,720,998, C>T. VCF-style: chr19-35720998-C-T. GRCh37 (hg19) VCF-style: chr19-36211900-C-T.
Other names: c.1651C>T (NM_014727.2); short protein forms P551S.
Identifiers: ClinVar variation 3018920 (VCV003018920.4), dbSNP rs762590352, ClinGen allele CA405392779.